The following is an entry in ClinVar:

ClinVar aggregate classification (germline): Pathogenic. Review status: criteria provided, multiple submitters, no conflicts (2 of 4 stars). 3 submissions from 3 submitters: Pathogenic (2). 1 of the submissions does not count toward it. Last evaluated 2024-02-18.

Conditions:
Proximal myopathy with extrapyramidal signs. Also called: Myopathy with extrapyramidal signs. Identifiers: Orphanet 401768, MedGen C3810285, MONDO:0014300, OMIM 615673.

Allele frequency attached by ClinVar (database versions not stated): ExAC 0.00001; gnomAD 0.00003; gnomAD exomes below 0.00001; TOPMed 0.00003.
gnomAD v4.1: 10 of 1,612,374 alleles (0.00062%); highest among the groups gnomAD compares: African/African-American, 0.004%; no homozygotes.

Submissions (3):

Kariminejad - Najmabadi Pathology & Genetics Center
Classification: Pathogenic for Proximal myopathy with extrapyramidal signs. Last evaluated: 2024-02-18. Review status: criteria provided, single submitter. Criteria: ACMG Guidelines, 2015. Collection method: clinical testing. Allele origin: germline. Inheritance: Autosomal recessive inheritance. Affected: yes. Observed: 2 variant alleles.
Comment: (PVS1, PM2, PP5)

GeneDx
Classification: Pathogenic. Last evaluated: 2023-06-10. Review status: criteria provided, single submitter. Criteria: GeneDx Variant Classification Process June 2021. Collection method: clinical testing. Allele origin: germline. Affected: yes.
Comment: Nonsense variant predicted to result in protein truncation or nonsense mediated decay in a gene for which loss of function is a known mechanism of disease; Not observed at significant frequency in large population cohorts (gnomAD); This variant is associated with the following publications: (PMID: 33428302)

OMIM
Classification: Pathogenic for MYOPATHY WITH EXTRAPYRAMIDAL SIGNS. Last evaluated: 2021-06-25. Review status: no assertion criteria provided. Collection method: literature only. Allele origin: germline. Not counted in ClinVar's aggregate classification.

Literature cited by the submitters: PubMed 33428302 (cited by OMIM).

NM_001195518.2(MICU1):c.52C>T (p.Arg18Ter)

Gene: MICU1 (mitochondrial calcium uptake 1; minus strand). Cytogenetic location: 10q22.1.
Variant type: single nucleotide variant.
Coding change: c.52C>T on transcript NM_001195518.2 (MANE Select); coding-DNA position 52, C replaced by T.
Protein change: p.Arg18Ter; replaces arginine 18 with a stop codon.
Molecular consequence: nonsense.
Genome position (GRCh38, 1-based): chr10:72,566,742, G>A on the plus strand (C>T on the coding strand, the complement: MICU1 is on the minus strand). VCF-style: chr10-72566742-G-A. GRCh37 (hg19) VCF-style: chr10-74326500-G-A.
Other names: R18*; c.52C>T, p.Arg18Ter (NM_001363513.2, NM_006077.4); c.52C>T (NM_006077.3).
Identifiers: ClinVar variation 1174136 (VCV001174136.4), dbSNP rs746453954, ClinGen allele CA5550365.